The following is an entry in ClinVar:

NM_031427.4(DNAL1):c.449A>G (p.Asn150Ser)

Gene: DNAL1 (dynein axonemal light chain 1; plus strand). Cytogenetic location: 14q24.3.
Variant type: single nucleotide variant.
Coding change: c.449A>G on transcript NM_031427.4 (MANE Select); coding-DNA position 449, A replaced by G.
Protein change: p.Asn150Ser; replaces asparagine 150 with serine.
Molecular consequence: missense variant.
Genome position (GRCh38, 1-based): chr14:73,689,432, A>G. VCF-style: chr14-73689432-A-G. GRCh37 (hg19) VCF-style: chr14-74156135-A-G.
Other names: c.332A>G, p.Asn111Ser (NM_001201366.2); short protein forms N150S, N111S.
Identifiers: ClinVar variation 30816 (VCV000030816.6), dbSNP rs387907021, ClinGen allele CA342751.

ClinVar aggregate classification (germline): Pathogenic. Review status: criteria provided, multiple submitters, no conflicts (2 of 4 stars). 5 submissions from 4 submitters: Pathogenic (2). 3 of the submissions do not count toward it. Last evaluated 2025-09-10.

Conditions:
DNAL1-related disorder. Also called: DNAL1-related condition.
Primary ciliary dyskinesia 16. Also called: CILIARY DYSKINESIA, PRIMARY, 16, WITH OR WITHOUT SITUS INVERSUS. Identifiers: Orphanet 244, MedGen C3151460, MONDO:0013525, OMIM 614017.
Kartagener syndrome (CILD1). Also called: IMMOTILE CILIA SYNDROME; SIEWERT SYNDROME; CILIARY DYSKINESIA, PRIMARY, 1, WITH OR WITHOUT SITUS INVERSUS; POLYNESIAN BRONCHIECTASIS; Dextrocardia bronchiectasis and sinusitis; CILIARY DYSKINESIA, PRIMARY, 1. Identifiers: Orphanet 244, MedGen C4551906, MONDO:0009484, OMIM 244400.

Allele frequency attached by ClinVar (database versions not stated): gnomAD 0.00001.
gnomAD v4.1: 1 of 1,559,236 alleles (0.000064%); highest among the groups gnomAD compares: Middle Eastern, 0.017%; no homozygotes.

Submissions (5):

Genomic Medicine Center of Excellence, King Faisal Specialist Hospital and Research Centre
Classification: Pathogenic for Primary ciliary dyskinesia 16. Last evaluated: 2025-09-10. Review status: criteria provided, single submitter. Criteria: ACMG Guidelines, 2015. Collection method: clinical testing. Allele origin: germline.

Blueprint Genetics
Classification: Pathogenic for DNAL1-related disorders. Last evaluated: 2021-09-24. Review status: criteria provided, single submitter. Criteria: ACMG Guidelines, 2015. Collection method: clinical testing. Allele origin: germline. Affected: yes. Observed: 2 variant alleles.

GeneReviews
Classification: Pathogenic for Primary Ciliary Dyskinesia. Last evaluated: 2011-09-15. Review status: no assertion criteria provided. Collection method: curation. Allele origin: unknown. Not counted in ClinVar's aggregate classification.
ClinVar note: Converted during submission from pathologic to Pathogenic.

OMIM
Classification: Pathogenic for CILIARY DYSKINESIA, PRIMARY, 16. Last evaluated: 2011-05-13. Review status: no assertion criteria provided. Collection method: literature only. Allele origin: germline. Not counted in ClinVar's aggregate classification.

GeneReviews
No classification provided. Condition: Kartagener syndrome. Review status: no classification provided. Collection method: literature only. Allele origin: germline. Affected: yes. Not counted in ClinVar's aggregate classification.

Literature cited by the submitters: PubMed 21496787 (cited by OMIM and GeneReviews); NCBI Bookshelf NBK1122 (cited by GeneReviews).